The following is an entry in ClinVar:

ClinVar aggregate classification (germline): Uncertain significance. Review status: criteria provided, multiple submitters, no conflicts (2 of 4 stars). 4 submissions from 4 submitters: Uncertain significance (3). 1 of the submissions does not count toward it. Last evaluated 2024-09-29.

Conditions:
Cardiovascular phenotype. Identifiers: MedGen CN230736.
Hypertrophic cardiomyopathy 20. Identifiers: MedGen C3151267, MONDO:0013477, OMIM 613876.
Dilated cardiomyopathy 1CC (CMD1CC). Identifiers: Orphanet 154, MedGen C2751084, MONDO:0013147, OMIM 613122.

Submissions (4):

Labcorp Genetics (formerly Invitae), Labcorp
Classification: Uncertain significance for Dilated cardiomyopathy 1CC; Hypertrophic cardiomyopathy 20. Last evaluated: 2024-09-29. Review status: criteria provided, single submitter. Criteria: Invitae Variant Classification Sherloc (09022015). Collection method: clinical testing. Allele origin: germline.
Comment: This variant, c.828_830del, results in the deletion of 1 amino acid(s) of the NEXN protein (p.Glu277del), but otherwise preserves the integrity of the reading frame. This variant is present in population databases (rs750308076, gnomAD 0.003%). This variant has not been reported in the literature in individuals affected with NEXN-related conditions. Experimental studies and prediction algorithms are not available or were not evaluated, and the functional significance of this variant is currently unknown. In summary, the available evidence is currently insufficient to determine the role of this variant in disease. Therefore, it has been classified as a Variant of Uncertain Significance.

Ambry Genetics
Classification: Uncertain significance for Cardiovascular phenotype. Last evaluated: 2024-07-02. Review status: criteria provided, single submitter. Criteria: Ambry Variant Classification Scheme 2023. Collection method: clinical testing. Allele origin: germline.
Comment: The c.828_830delAGA variant (also known as p.E277del) is located in coding exon 7 of the NEXN gene. This variant results from an in-frame AGA deletion at nucleotide positions 828 to 830. This results in the in-frame deletion of a glutamic acid at codon 277. This amino acid position is highly conserved in available vertebrate species. In addition, the in silico prediction for this alteration is inconclusive (Choi Y et al. PLoS ONE. 2012; 7(10):e46688). Based on the available evidence, the clinical significance of this variant remains unclear.

GeneDx
Classification: Uncertain significance. Last evaluated: 2024-05-10. Review status: criteria provided, single submitter. Criteria: GeneDx Variant Classification Process June 2021. Collection method: clinical testing. Allele origin: germline. Affected: yes.
Comment: Not observed at significant frequency in large population cohorts (gnomAD); In-frame deletion of 1 amino acids in a non-repeat region; In silico analysis supports a deleterious effect on protein structure/function; Has not been previously published as pathogenic or benign to our knowledge

Institute of Human Genetics, University of Wuerzburg
Classification: Uncertain significance for Dilated cardiomyopathy 1CC. Review status: no assertion criteria provided. Collection method: clinical testing. Allele origin: unknown. Affected: yes. Observed: 1 variant allele. Not counted in ClinVar's aggregate classification.

NM_144573.4(NEXN):c.822AGA[2] (p.Glu277del)

Gene: NEXN (nexilin F-actin binding protein; plus strand). Cytogenetic location: 1p31.1.
Variant type: Microsatellite.
Coding change: c.822AGA[2] on transcript NM_144573.4 (MANE Select); two copies in a row of the 3-base unit AGA starting at c.822; the reference has three copies in a row; one copy, 3 bases deleted.
Protein change: p.Glu277del; deletes glutamic acid 277.
Molecular consequence: inframe deletion. On other transcripts: frameshift variant (1).
Genome position (GRCh38, 1-based): chr1:77,926,856-77,926,858, AGA deleted; deleting any 3 consecutive bases within chr1:77,926,850-77,926,858 gives the same sequence; the position shown is the placement nearest the transcript's 3' end. VCF-style (leftmost placement, unchanged base first): chr1-77926849-TAGA-T. GRCh37 (hg19) VCF-style: chr1-78392534-TAGA-T.
Other names: c.630AGA[2], p.Glu213del (NM_001172309.2); c.822_824AGA[2], p.Glu277Alafs (NM_144573.3); c.828_830delAGA (NM_144573.3); short protein forms E213del, E277del.
Identifiers: ClinVar variation 3062353 (VCV003062353.5), dbSNP rs750308076, ClinGen allele CA918739.